The following is an entry in ClinVar:

ClinVar aggregate classification (germline): Uncertain significance (1 of 4 stars; one submission).

Conditions:
Rhabdoid tumor predisposition syndrome 2 (RTPS2). Identifiers: Orphanet 231108, Orphanet 69077, MedGen C2750074, MONDO:0013224, OMIM 613325.

Submission:

Labcorp Genetics (formerly Invitae), Labcorp
Classification: Uncertain significance for Rhabdoid tumor predisposition syndrome 2. Last evaluated: 2024-02-05. Review status: criteria provided, single submitter. Criteria: Invitae Variant Classification Sherloc (09022015). Collection method: clinical testing. Allele origin: germline.
Comment: This sequence change falls in intron 34 of the SMARCA4 gene. It does not directly change the encoded amino acid sequence of the SMARCA4 protein. Information on the frequency of this variant in the gnomAD database is not available, as this variant may be reported differently in the database. This variant has not been reported in the literature in individuals affected with SMARCA4-related conditions. Experimental studies and prediction algorithms are not available or were not evaluated, and the effect of this variant on mRNA splicing is currently unknown. In summary, the available evidence is currently insufficient to determine the role of this variant in disease. Therefore, it has been classified as a Variant of Uncertain Significance.

NM_003072.5(SMARCA4):c.4768+15_4768+16delinsCA

Gene: SMARCA4 (SWI/SNF related BAF chromatin remodeling complex subunit ATPase 4; plus strand). Cytogenetic location: 19p13.2.
Variant type: Indel.
Coding change: c.4768+15_4768+16delinsCA on transcript NM_003072.5 (MANE Select); bases 15 to 16 of the intron after coding-DNA position 4768, GG replaced by CA.
Molecular consequence: intron variant.
Genome position (GRCh38, 1-based): chr19:11,059,900-11,059,901, GG replaced by CA. VCF-style: chr19-11059900-GG-CA. GRCh37 (hg19) VCF-style: chr19-11170576-GG-CA.
Other names: c.4768+15_4768+16delinsCA (NM_001128844.3); c.4864+15_4864+16delinsCA (NM_001128849.3, NM_001387283.1); c.4669+15_4669+16delinsCA (NM_001128847.4, NM_001374457.1); c.4765+15_4765+16delinsCA (NM_001411150.1); c.4678+15_4678+16delinsCA (NM_001128845.2); c.4675+15_4675+16delinsCA (NM_001128846.2); c.4666+15_4666+16delinsCA (NM_001128848.2).
Identifiers: ClinVar variation 2797451 (VCV002797451.3), dbSNP rs2515808928, ClinGen allele CA2739276527.